The following is an entry in ClinVar:

NM_003283.6(TNNT1):c.33-8G>A

Gene: TNNT1 (troponin T1, slow skeletal type; minus strand). Cytogenetic location: 19q13.42.
Variant type: single nucleotide variant.
Coding change: c.33-8G>A on transcript NM_003283.6 (MANE Select); 8 bases into the intron before coding-DNA position 33, G replaced by A.
Molecular consequence: intron variant.
Genome position (GRCh38, 1-based): chr19:55,147,029, C>T on the plus strand (G>A on the coding strand, the complement: TNNT1 is on the minus strand). VCF-style: chr19-55147029-C-T. GRCh37 (hg19) VCF-style: chr19-55658397-C-T.
Other names: p.?; c.33-8G>A (NM_001126133.3, NM_001126132.3, NM_001291774.2).
Identifiers: ClinVar variation 130603 (VCV000130603.26), dbSNP rs76630067, ClinGen allele CA155743.
Genomic context (GRCh38, chr19:55,147,029, plus strand): 5'-GTGTCCCCATCCCATAGGGCCGGCCCACTCCCTACTCACCTTCCGGCTGCTCCCTGCGGA[C>T]GGGTGTGGGGAGAGAGGAGGGAGGGGAGAGTTAGACCTGGGGTGGGAGAGCCTCTCCACC-3'

ClinVar aggregate classification (germline): Benign/Likely benign. Review status: criteria provided, multiple submitters, no conflicts (2 of 4 stars). 9 submissions from 9 submitters: Benign (6); Likely benign (2). 1 of the submissions does not count toward it. Last evaluated 2026-02-02.

Conditions:
Nemaline myopathy 5 (NEM5A). Also called: NEMALINE MYOPATHY 5A, AUTOSOMAL RECESSIVE, SEVERE INFANTILE; NEMALINE MYOPATHY, AMISH TYPE; Nemaline myopathy 5, Amish type. Identifiers: Orphanet 98902, MedGen C1854380, MONDO:0011539, OMIM 605355.

Allele frequency attached by ClinVar (database versions not stated): gnomAD exomes 0.02978 and 0.04823; ESP Exome Variant Server 0.03822; gnomAD 0.04332; TOPMed 0.05095; ExAC 0.05253; 1000 Genomes Project 0.06869; 1000 Genomes Project 30x 0.07027.

Submissions (9):

Labcorp Genetics (formerly Invitae), Labcorp
Classification: Benign for Nemaline myopathy 5. Last evaluated: 2026-02-02. Review status: criteria provided, single submitter. Criteria: Invitae Variant Classification Sherloc (09022015). Collection method: clinical testing. Allele origin: germline.

Athena Diagnostics
Classification: Benign. Last evaluated: 2024-01-29. Review status: criteria provided, single submitter. Criteria: Athena Diagnostics Criteria. Collection method: clinical testing. Allele origin: unknown.

Illumina Laboratory Services, Illumina
Classification: Likely benign for Nemaline myopathy 5. Last evaluated: 2018-01-12. Review status: criteria provided, single submitter. Criteria: ICSL Variant Classification Criteria 13 December 2019. Collection method: clinical testing. Allele origin: germline.
Comment: This variant was observed in the ICSL laboratory as part of a predisposition screen in an ostensibly healthy population. It had not been previously curated by ICSL or reported in the Human Gene Mutation Database (HGMD: prior to June 1st, 2018), and was therefore a candidate for classification through an automated scoring system. Utilizing variant allele frequency, disease prevalence and penetrance estimates, and inheritance mode, an automated score was calculated to assess if this variant is too frequent to cause the disease. Based on the score and internal cut-off values, a variant classified as likely benign is not then subjected to further curation. The score for this variant resulted in a classification of likely benign for this disease.

Mayo Clinic Laboratories, Mayo Clinic
Classification: Benign. Last evaluated: 2017-10-11. Review status: criteria provided, single submitter. Criteria: ACMG Guidelines, 2015. Collection method: clinical testing. Allele origin: germline. Observed: 28 variant alleles.

GeneDx
Classification: Benign. Last evaluated: 2016-01-28. Review status: criteria provided, single submitter. Criteria: GeneDx Variant Classification (06012015). Collection method: clinical testing. Allele origin: germline. Affected: yes.
Comment: This variant is considered likely benign or benign based on one or more of the following criteria: it is a conservative change, it occurs at a poorly conserved position in the protein, it is predicted to be benign by multiple in silico algorithms, and/or has population frequency not consistent with disease.

Laboratory for Molecular Medicine, Mass General Brigham Personalized Medicine
Classification: Benign. Last evaluated: 2015-01-13. Review status: criteria provided, single submitter. Criteria: LMM Criteria. Collection method: clinical testing. Allele origin: germline. Observed: 3 variant alleles.
Comment: c.33-8G>A in intron 2 of TNNT1: This variant is not expected to have clinical si gnificance because it has been identified in 7.6% (333/4406) of African American chromosomes from a broad population by the NHLBI Exome Sequencing Project (dbSNP rs76630067).

Breakthrough Genomics
Classification: Likely benign. Review status: criteria provided, single submitter. Criteria: ACMG Guidelines, 2015. Collection method: not provided. Allele origin: germline. Inheritance: Autosomal recessive inheritance. Affected: yes.

PreventionGenetics, part of Exact Sciences
Classification: Benign. Review status: criteria provided, single submitter. Criteria: ACMG Guidelines, 2015. Collection method: clinical testing. Allele origin: germline.

Genetic Services Laboratory, University of Chicago
Classification: Likely benign for AllHighlyPenetrant. Review status: no assertion criteria provided. Collection method: clinical testing. Allele origin: germline. Inheritance: Autosomal recessive inheritance. Not counted in ClinVar's aggregate classification.
Comment: Likely benign based on allele frequency in 1000 Genomes Project or ESP global frequency and its presence in a patient with a rare or unrelated disease phenotype. NOT Sanger confirmed.